The following is an entry in ClinVar:

NM_000070.3(CAPN3):c.495C>T (p.Phe165=)

Genes: CAPN3 (calpain 3; plus strand), LOC126862115 (BRD4-independent group 4 enhancer GRCh37_chr15:42677734-42678933; plus strand). Cytogenetic location: 15q15.1.
Variant type: single nucleotide variant.
Coding change: c.495C>T on transcript NM_000070.3 (MANE Select); coding-DNA position 495, C replaced by T.
Protein change: p.Phe165=; no amino-acid change (phenylalanine 165 retained).
Molecular consequence: synonymous variant.
Genome position (GRCh38, 1-based): chr15:42,386,282, C>T. VCF-style: chr15-42386282-C-T. GRCh37 (hg19) VCF-style: chr15-42678480-C-T.
Other names: p.Phe165=; c.495C>T, p.Phe165= (NM_024344.2, NM_173087.2).
Identifiers: ClinVar variation 166785 (VCV000166785.45), dbSNP rs1801324, ClinGen allele CA179836.

ClinVar aggregate classification (germline): Benign/Likely benign. Review status: criteria provided, multiple submitters, no conflicts (2 of 4 stars). 9 submissions from 9 submitters: Benign (4); Likely benign (5). Last evaluated 2026-03-01.

Conditions:
Autosomal recessive limb-girdle muscular dystrophy type 2A (LGMDR1). Also called: MUSCULAR DYSTROPHY, PELVOFEMORAL; Limb-girdle muscular dystrophy, type 2A; Calpainopathy; Muscular dystrophy, limb-girdle, type 2A, Amish; LEYDEN-MOEBIUS MUSCULAR DYSTROPHY. Identifiers: Orphanet 267, MedGen C1869123, MONDO:0009675, OMIM 253600. Disease mechanism: loss of function.

Allele frequency attached by ClinVar (database versions not stated): 1000 Genomes Project 0.00160; 1000 Genomes Project 30x 0.00172; gnomAD exomes 0.00585 and 0.00759; gnomAD 0.00591 and 0.00613; ExAC 0.00627; TOPMed 0.00657; ESP Exome Variant Server 0.00661.
gnomAD v4.1: 11,866 of 1,603,796 alleles (0.74%); highest among the groups gnomAD compares: Non-Finnish European, 0.92%; 67 homozygotes.

Submissions (9):

CeGaT Center for Human Genetics Tuebingen
Classification: Likely benign. Last evaluated: 2026-03-01. Review status: criteria provided, single submitter. Criteria: CeGaT Center For Human Genetics Tuebingen Variant Classification Criteria Version 2. Collection method: clinical testing. Allele origin: germline. Affected: yes. Observed: 10 variant alleles.
Comment: CAPN3: BP4, BP7, BS2

Labcorp Genetics (formerly Invitae), Labcorp
Classification: Benign for Autosomal recessive limb-girdle muscular dystrophy type 2A. Last evaluated: 2026-02-04. Review status: criteria provided, single submitter. Criteria: Invitae Variant Classification Sherloc (09022015). Collection method: clinical testing. Allele origin: germline.

Blueprint Genetics
Classification: Likely benign. Last evaluated: 2024-11-27. Review status: criteria provided, single submitter. Criteria: ACMG Guidelines, 2015. Collection method: clinical testing. Allele origin: germline.

Mayo Clinic Laboratories, Mayo Clinic
Classification: Benign. Last evaluated: 2019-03-21. Review status: criteria provided, single submitter. Criteria: ACMG Guidelines, 2015. Collection method: clinical testing. Allele origin: germline. Observed: 8 variant alleles.

Illumina Laboratory Services, Illumina
Classification: Likely benign for Limb-girdle muscular dystrophy, type 2A. Last evaluated: 2017-04-27. Review status: criteria provided, single submitter. Criteria: ICSL Variant Classification Criteria 13 December 2019. Collection method: clinical testing. Allele origin: germline.
Comment: This variant was observed as part of a predisposition screen in an ostensibly healthy population. A literature search was performed for the gene, cDNA change, and amino acid change (where applicable). No publications were found based on this search. Allele frequency data from public databases allowed determination this variant is unlikely to cause disease. Therefore, this variant is classified as likely benign.

GeneDx
Classification: Benign. Last evaluated: 2016-09-29. Review status: criteria provided, single submitter. Criteria: GeneDx Variant Classification (06012015). Collection method: clinical testing. Allele origin: germline. Affected: yes.
Comment: This variant is considered likely benign or benign based on one or more of the following criteria: it is a conservative change, it occurs at a poorly conserved position in the protein, it is predicted to be benign by multiple in silico algorithms, and/or has population frequency not consistent with disease.

Eurofins Ntd Llc (ga)
Classification: Benign. Last evaluated: 2014-01-27. Review status: criteria provided, single submitter. Criteria: EGL Classification Definitions 2015. Collection method: clinical testing. Allele origin: germline. Observed: 1 variant allele, 1 heterozygote.

Breakthrough Genomics
Classification: Likely benign. Review status: criteria provided, single submitter. Criteria: ACMG Guidelines, 2015. Collection method: not provided. Allele origin: germline. Inheritance: Autosomal recessive inheritance. Affected: yes.

PreventionGenetics, part of Exact Sciences
Classification: Likely benign. Review status: criteria provided, single submitter. Criteria: ACMG Guidelines, 2015. Collection method: clinical testing. Allele origin: germline.